The following is an entry in ClinVar:

ClinVar aggregate classification (germline): Likely benign. Review status: criteria provided, multiple submitters, no conflicts (2 of 4 stars). 3 submissions from 3 submitters: Likely benign (2). 1 of the submissions does not count toward it. Last evaluated 2026-01-19.

Conditions:
ECHS1-related disorder. Also called: ECHS1-related condition.

Allele frequency attached by ClinVar (database versions not stated): gnomAD exomes 0.00006 and 0.00026; 1000 Genomes Project 30x 0.00016; 1000 Genomes Project 0.00020; gnomAD 0.00023 and 0.00024; TOPMed 0.00024; ExAC 0.00029; ESP Exome Variant Server 0.00031.
gnomAD v4.1: 125 of 1,612,750 alleles (0.0078%); highest among the groups gnomAD compares: Admixed American, 0.097%; no homozygotes.

Submissions (3):

Labcorp Genetics (formerly Invitae), Labcorp
Classification: Likely benign. Last evaluated: 2026-01-19. Review status: criteria provided, single submitter. Criteria: Invitae Variant Classification Sherloc (09022015). Collection method: clinical testing. Allele origin: germline.

Blueprint Genetics
Classification: Likely benign. Last evaluated: 2024-09-30. Review status: criteria provided, single submitter. Criteria: ACMG Guidelines, 2015. Collection method: clinical testing. Allele origin: germline.

PreventionGenetics, part of Exact Sciences
Classification: Likely benign for ECHS1-related condition. Last evaluated: 2023-08-22. Review status: no assertion criteria provided. Collection method: clinical testing. Allele origin: germline. Not counted in ClinVar's aggregate classification.
Comment: This variant is classified as likely benign based on ACMG/AMP sequence variant interpretation guidelines (Richards et al. 2015 PMID: 25741868, with internal and published modifications).

NM_004092.4(ECHS1):c.564G>A (p.Ala188=)

Gene: ECHS1 (enoyl-CoA hydratase, short chain 1; minus strand). Cytogenetic location: 10q26.3.
Variant type: single nucleotide variant.
Coding change: c.564G>A on transcript NM_004092.4 (MANE Select); coding-DNA position 564, G replaced by A.
Protein change: p.Ala188=; no amino-acid change (alanine 188 retained).
Molecular consequence: synonymous variant.
Genome position (GRCh38, 1-based): chr10:133,366,944, C>T on the plus strand (G>A on the coding strand, the complement: ECHS1 is on the minus strand). VCF-style: chr10-133366944-C-T. GRCh37 (hg19) VCF-style: chr10-135180448-C-T.
Identifiers: ClinVar variation 726702 (VCV000726702.12), dbSNP rs373706901, ClinGen allele CA5765724.